The following is an entry in ClinVar:

NM_017649.5(CNNM2):c.884C>T (p.Thr295Met)

Gene: CNNM2 (cyclin and CBS domain divalent metal cation transport mediator 2; plus strand). Cytogenetic location: 10q24.32.
Variant type: single nucleotide variant.
Coding change: c.884C>T on transcript NM_017649.5 (MANE Select); coding-DNA position 884, C replaced by T.
Protein change: p.Thr295Met; replaces threonine 295 with methionine.
Molecular consequence: missense variant.
Genome position (GRCh38, 1-based): chr10:102,919,364, C>T. VCF-style: chr10-102919364-C-T. GRCh37 (hg19) VCF-style: chr10-104679121-C-T.
Other names: c.884C>T, p.Thr295Met (NM_199076.3, NM_199077.3); short protein forms T295M.
Identifiers: ClinVar variation 3672407 (VCV003672407.2).

ClinVar aggregate classification (germline): Uncertain significance (1 of 4 stars; one submission).

gnomAD v4.1: 1 of 1,612,874 alleles (0.000062%); no homozygotes.

Submission:

Labcorp Genetics (formerly Invitae), Labcorp
Classification: Uncertain significance. Last evaluated: 2025-04-07. Review status: criteria provided, single submitter. Criteria: Invitae Variant Classification Sherloc (09022015). Collection method: clinical testing. Allele origin: germline.
Comment: This sequence change replaces threonine, which is neutral and polar, with methionine, which is neutral and non-polar, at codon 295 of the CNNM2 protein (p.Thr295Met). This variant is not present in population databases (gnomAD no frequency). This variant has not been reported in the literature in individuals affected with CNNM2-related conditions. ClinVar contains an entry for this variant (Variation ID: 3672407). Invitae Evidence Modeling of protein sequence and biophysical properties (such as structural, functional, and spatial information, amino acid conservation, physicochemical variation, residue mobility, and thermodynamic stability) indicates that this missense variant is expected to disrupt CNNM2 protein function with a positive predictive value of 80%. In summary, the available evidence is currently insufficient to determine the role of this variant in disease. Therefore, it has been classified as a Variant of Uncertain Significance.